The following is an entry in ClinVar:

ClinVar aggregate classification (germline): Benign (1 of 4 stars; one submission).

Allele frequency attached by ClinVar (database versions not stated): gnomAD 0.20764 and 0.21360; TOPMed 0.20889; 1000 Genomes Project 30x 0.21580; 1000 Genomes Project 0.22125.
gnomAD v4.1: 32,606 of 152,136 alleles (21%); highest among the groups gnomAD compares: South Asian, 35%; 4,145 homozygotes.

Submission:

GeneDx
Classification: Benign. Last evaluated: 2018-06-14. Review status: criteria provided, single submitter. Criteria: GeneDx Variant Classification (06012015). Collection method: clinical testing. Allele origin: germline. Affected: yes.
Comment: This variant is considered likely benign or benign based on one or more of the following criteria: it is a conservative change, it occurs at a poorly conserved position in the protein, it is predicted to be benign by multiple in silico algorithms, and/or has population frequency not consistent with disease.

NM_017827.4(SARS2):c.364-255G>A

Gene: SARS2 (seryl-tRNA synthetase 2, mitochondrial; minus strand). Cytogenetic location: 19q13.2.
Variant type: single nucleotide variant.
Coding change: c.364-255G>A on transcript NM_017827.4 (MANE Select); 255 bases into the intron before coding-DNA position 364, G replaced by A.
Molecular consequence: intron variant.
Genome position (GRCh38, 1-based): chr19:38,922,522, C>T on the plus strand (G>A on the coding strand, the complement: SARS2 is on the minus strand). VCF-style: chr19-38922522-C-T. GRCh37 (hg19) VCF-style: chr19-39413162-C-T.
Other names: c.364-255G>A (NM_001145901.2).
Identifiers: ClinVar variation 670037 (VCV000670037.1), dbSNP rs12977011, ClinGen allele CA14721747.